The following is an entry in ClinVar:

NM_000719.7(CACNA1C):c.520G>A (p.Ala174Thr)

Gene: CACNA1C (calcium voltage-gated channel subunit alpha1 C; plus strand). Cytogenetic location: 12p13.33.
Variant type: single nucleotide variant.
Coding change: c.520G>A on transcript NM_000719.7 (MANE Select); coding-DNA position 520, G replaced by A.
Protein change: p.Ala174Thr; replaces alanine 174 with threonine.
Molecular consequence: missense variant.
Genome position (GRCh38, 1-based): chr12:2,449,018, G>A. VCF-style: chr12-2449018-G-A. GRCh37 (hg19) VCF-style: chr12-2558184-G-A.
Other names: c.520G>A, p.Ala174Thr (NM_001129827.2, NM_001129829.2, NM_001129830.3 and 19 more transcripts); short protein forms A174T.
Identifiers: ClinVar variation 3630277 (VCV003630277.2).
Genomic context (GRCh38, chr12:2,449,018, plus strand): 5'-TCTATTTCTGTTTCCTAGGAACGAGTGGAATATCTCTTTCTCATAATTTTTACGGTGGAA[G>A]CGTTTTTAAAAGTAATCGCCTATGGACTCCTCTTTCACCCCAATGCCTACCTCCGCAACG-3'
Protein context (NP_000710.5, residues 164-184): YLFLIIFTVE[Ala174Thr]FLKVIAYGLL

ClinVar aggregate classification (germline): Uncertain significance (1 of 4 stars; one submission).

Conditions:
Long QT syndrome (LQTS). Identifiers: MedGen C0023976, MeSH D008133, MONDO:0002442. Disease mechanism: loss of function. Inheritance: Various modes of inheritance.

gnomAD v4.1: 6 of 1,609,032 alleles (0.00037%); highest among the groups gnomAD compares: Non-Finnish European, 0.00043%; no homozygotes.

Submission:

Labcorp Genetics (formerly Invitae), Labcorp
Classification: Uncertain significance for Long QT syndrome. Last evaluated: 2026-01-14. Review status: criteria provided, single submitter. Criteria: Invitae Variant Classification Sherloc (09022015). Collection method: clinical testing. Allele origin: germline.
Comment: This sequence change replaces alanine, which is neutral and non-polar, with threonine, which is neutral and polar, at codon 174 of the CACNA1C protein (p.Ala174Thr). This variant is not present in population databases (gnomAD no frequency). This variant has not been reported in the literature in individuals affected with CACNA1C-related conditions. ClinVar contains an entry for this variant (Variation ID: 3630277). Invitae Evidence Modeling of protein sequence and biophysical properties (such as structural, functional, and spatial information, amino acid conservation, physicochemical variation, residue mobility, and thermodynamic stability) indicates that this missense variant is not expected to disrupt CACNA1C protein function with a negative predictive value of 95%. In summary, the available evidence is currently insufficient to determine the role of this variant in disease. Therefore, it has been classified as a Variant of Uncertain Significance.